The following is an entry in ClinVar:

ClinVar aggregate classification (germline): Pathogenic. Review status: criteria provided, multiple submitters, no conflicts (2 of 4 stars). 6 submissions from 6 submitters: Pathogenic (6). Last evaluated 2026-01-26.

Conditions:
Primary ciliary dyskinesia 3. Identifiers: Orphanet 244, MedGen C1837618, MONDO:0012085, OMIM 608644.
Primary ciliary dyskinesia. Also called: Ciliary dyskinesia. Identifiers: Orphanet 244, MedGen C0008780, MONDO:0016575, HP:0012265.
Primary ciliary dyskinesia 7. Also called: CILIARY DYSKINESIA, PRIMARY, 7, WITH OR WITHOUT SITUS INVERSUS. Identifiers: Orphanet 244, MedGen C2678473, MONDO:0012748, OMIM 611884.

Allele frequency attached by ClinVar (database versions not stated): TOPMed 0.00005.
gnomAD v4.1: 9 of 1,613,852 alleles (0.00056%); highest among the groups gnomAD compares: Admixed American, 0.0033%; no homozygotes.

Submissions (6):

Natera, Inc.
Classification: Pathogenic for Primary ciliary dyskinesia. Last evaluated: 2026-01-26. Review status: criteria provided, single submitter. Criteria: Natera Variant Classification Schema (03/2026). Collection method: clinical testing. Allele origin: germline.
Comment: The c.1852C>T variant in DNAH5 is a nonsense variant predicted to introduce a stop codon at amino acid 618. This variant is expected to result in nonsense mediated decay, truncation, or a dysfunctional protein product. This variant is rare in the general population with a frequency below the threshold expected for the associated phenotype(s). This variant has been observed in one or more individuals affected with the associated recessive disease, as either homozygous or compound heterozygous with a second variant (PMID: 32502479, 29363216). Given the available evidence, this variant is classified as Pathogenic.

Mayo Clinic Laboratories, Mayo Clinic
Classification: Pathogenic. Last evaluated: 2025-09-24. Review status: criteria provided, single submitter. Criteria: ACMG Guidelines, 2015. Collection method: clinical testing. Allele origin: germline. Observed: 1 variant allele.
Comment: PM2_supporting, PM3_strong, PVS1

GeneDx
Classification: Pathogenic. Last evaluated: 2025-06-28. Review status: criteria provided, single submitter. Criteria: GeneDx Variant Classification Process June 2021. Collection method: clinical testing. Allele origin: germline.
Comment: Nonsense variant predicted to result in protein truncation or nonsense mediated decay in a gene for which loss of function is a known mechanism of disease; Not observed at significant frequency in large population cohorts (gnomAD); This variant is associated with the following publications: (PMID: Guo2022[casereport], 29363216, 34134972, 32502479, 36980814)

Johns Hopkins Genomics, Johns Hopkins University
Classification: Pathogenic for Primary ciliary dyskinesia 7. Last evaluated: 2025-05-14. Review status: criteria provided, single submitter. Criteria: ACMG Guidelines, 2015. Collection method: clinical testing. Allele origin: germline.
Comment: DNAH5 c.1852C>T has been reported in the literature in individuals with features of primary ciliary dyskinesia. It (rs778780449) is rare (<0.1%) in a large population dataset3 (gnomADv4.1.0: 9/1613852 total alleles; 0.00056%; no homozygotes) and has been reported in ClinVar (Variation ID: 644218). This nonsense variant results in a premature stop codon in exon 14 of 79 likely leading to nonsense-mediated decay and lack of protein production. We consider DNAH5 c.1852C>T to be pathogenic.

Labcorp Genetics (formerly Invitae), Labcorp
Classification: Pathogenic for Primary ciliary dyskinesia. Last evaluated: 2024-05-08. Review status: criteria provided, single submitter. Criteria: Invitae Variant Classification Sherloc (09022015). Collection method: clinical testing. Allele origin: germline.
Comment: This sequence change creates a premature translational stop signal (p.Arg618*) in the DNAH5 gene. It is expected to result in an absent or disrupted protein product. Loss-of-function variants in DNAH5 are known to be pathogenic (PMID: 11788826, 16627867). This variant is present in population databases (no rsID available, gnomAD 0.01%). This premature translational stop signal has been observed in individual(s) with primary ciliary dyskinesia (PMID: 29363216). ClinVar contains an entry for this variant (Variation ID: 644218). For these reasons, this variant has been classified as Pathogenic.

New York Genome Center
Classification: Pathogenic for Primary ciliary dyskinesia 3. Last evaluated: 2023-06-21. Review status: criteria provided, single submitter. Criteria: NYGC Assertion Criteria 2020. Collection method: clinical testing. Allele origin: germline. Observed: 1 compound heterozygote.

Literature cited by the submitters: PubMed 32502479 (cited by 3 submitters); PubMed 29363216 (cited by 4 submitters); PubMed 34134972 (cited by Mayo Clinic Laboratories, Mayo Clinic and Johns Hopkins Genomics, Johns Hopkins University); PubMed 36980814 (cited by Mayo Clinic Laboratories, Mayo Clinic); PubMed 11788826 (cited by Labcorp Genetics (formerly Invitae), Labcorp); PubMed 16627867 (cited by Labcorp Genetics (formerly Invitae), Labcorp).

NM_001369.3(DNAH5):c.1852C>T (p.Arg618Ter)

Gene: DNAH5 (dynein axonemal heavy chain 5; minus strand). Cytogenetic location: 5p15.2.
Variant type: single nucleotide variant.
Coding change: c.1852C>T on transcript NM_001369.3 (MANE Select); coding-DNA position 1852, C replaced by T.
Protein change: p.Arg618Ter; replaces arginine 618 with a stop codon.
Molecular consequence: nonsense.
Genome position (GRCh38, 1-based): chr5:13,901,452, G>A on the plus strand (C>T on the coding strand, the complement: DNAH5 is on the minus strand). VCF-style: chr5-13901452-G-A. GRCh37 (hg19) VCF-style: chr5-13901561-G-A.
Other names: p.Arg618*; short protein forms R618*.
Identifiers: ClinVar variation 644218 (VCV000644218.19), dbSNP rs778780449, ClinGen allele CA113944430.